The following is an entry in ClinVar:

ClinVar aggregate classification (germline): Uncertain significance. Review status: criteria provided, multiple submitters, no conflicts (2 of 4 stars). 2 submissions from 2 submitters: Uncertain significance (2). Last evaluated 2026-02-01.

Conditions:
Pancreatic adenocarcinoma. Identifiers: MedGen C0281361, MONDO:0006047, HP:0006725.

gnomAD v4.1: 26 of 1,413,114 alleles (0.0018%); highest among the groups gnomAD compares: Non-Finnish European, 0.0024%; no homozygotes.

Submissions (2):

Labcorp Genetics (formerly Invitae), Labcorp
Classification: Uncertain significance for Pancreatic adenocarcinoma. Last evaluated: 2026-02-01. Review status: criteria provided, single submitter. Criteria: Invitae Variant Classification Sherloc (09022015). Collection method: clinical testing. Allele origin: germline.
Comment: This sequence change replaces valine, which is neutral and non-polar, with glutamic acid, which is acidic and polar, at codon 104 of the PALLD protein (p.Val104Glu). The frequency data for this variant in the population databases is considered unreliable, as metrics indicate poor data quality at this position in the gnomAD database. This variant has not been reported in the literature in individuals affected with PALLD-related conditions. ClinVar contains an entry for this variant (Variation ID: 3706663). An algorithm developed to predict the effect of missense changes on protein structure and function (PolyPhen-2) suggests that this variant is likely to be tolerated. In summary, the available evidence is currently insufficient to determine the role of this variant in disease. Therefore, it has been classified as a Variant of Uncertain Significance.

Ambry Genetics
Classification: Uncertain significance. Last evaluated: 2025-01-21. Review status: criteria provided, single submitter. Criteria: Ambry Variant Classification Scheme 2023. Collection method: clinical testing. Allele origin: germline.
Comment: The p.V104E variant (also known as c.311T>A), located in coding exon 1 of the PALLD gene, results from a T to A substitution at nucleotide position 311. The valine at codon 104 is replaced by glutamic acid, an amino acid with dissimilar properties. This amino acid position is conserved. In addition, this alteration is predicted to be tolerated by in silico analysis. Based on the available evidence, the clinical significance of this variant remains unclear.

NM_001166108.2(PALLD):c.1965-12720T>A

Gene: PALLD (palladin, cytoskeletal associated protein; plus strand). Cytogenetic location: 4q32.3.
Variant type: single nucleotide variant.
Coding change: c.1965-12720T>A on transcript NM_001166108.2 (MANE Select); 12720 bases into the intron before coding-DNA position 1965, T replaced by A.
Molecular consequence: intron variant. On other transcripts: missense variant (1).
Genome position (GRCh38, 1-based): chr4:168,878,202, T>A. VCF-style: chr4-168878202-T-A. GRCh37 (hg19) VCF-style: chr4-169799353-T-A.
Other names: c.311T>A (NM_001166110.1); c.311T>A, p.Val104Glu (NM_001166110.2); c.1965-12720T>A (NM_016081.4); c.819-12720T>A (NM_001166109.2); c.-157-12720T>A (NM_001367570.1, NM_001367568.1, NM_001367567.1 and 1 more transcripts); short protein forms V104E.
Identifiers: ClinVar variation 3706663 (VCV003706663.3).